The following is an entry in ClinVar:

NM_000361.3(THBD):c.281C>T (p.Pro94Leu)

Gene: THBD (thrombomodulin; minus strand). Cytogenetic location: 20p11.21.
Variant type: single nucleotide variant.
Coding change: c.281C>T on transcript NM_000361.3 (MANE Select); coding-DNA position 281, C replaced by T.
Protein change: p.Pro94Leu; replaces proline 94 with leucine.
Molecular consequence: missense variant.
Genome position (GRCh38, 1-based): chr20:23,049,224, G>A on the plus strand (C>T on the coding strand, the complement: THBD is on the minus strand). VCF-style: chr20-23049224-G-A. GRCh37 (hg19) VCF-style: chr20-23029861-G-A.
Other names: short protein forms P94L.
Identifiers: ClinVar variation 3700748 (VCV003700748.2).

ClinVar aggregate classification (germline): Uncertain significance (1 of 4 stars; one submission).

gnomAD v4.1: 2 of 1,556,520 alleles (0.00013%); highest among the groups gnomAD compares: Non-Finnish European, 0.000087%; no homozygotes.

Submission:

Labcorp Genetics (formerly Invitae), Labcorp
Classification: Uncertain significance. Last evaluated: 2024-02-22. Review status: criteria provided, single submitter. Criteria: Invitae Variant Classification Sherloc (09022015). Collection method: clinical testing. Allele origin: germline.
Comment: This sequence change replaces proline, which is neutral and non-polar, with leucine, which is neutral and non-polar, at codon 94 of the THBD protein (p.Pro94Leu). This variant is not present in population databases (gnomAD no frequency). This variant has not been reported in the literature in individuals affected with THBD-related conditions. Advanced modeling of protein sequence and biophysical properties (such as structural, functional, and spatial information, amino acid conservation, physicochemical variation, residue mobility, and thermodynamic stability) performed at Invitae indicates that this missense variant is not expected to disrupt THBD protein function with a negative predictive value of 80%. In summary, the available evidence is currently insufficient to determine the role of this variant in disease. Therefore, it has been classified as a Variant of Uncertain Significance.